The following is an entry in ClinVar:

ClinVar aggregate classification (germline): Uncertain significance (1 of 4 stars; one submission).

Submission:

Labcorp Genetics (formerly Invitae), Labcorp
Classification: Uncertain significance. Last evaluated: 2025-05-13. Review status: criteria provided, single submitter. Criteria: Invitae Variant Classification Sherloc (09022015). Collection method: clinical testing. Allele origin: germline.
Comment: This sequence change replaces glutamic acid, which is acidic and polar, with glycine, which is neutral and non-polar, at codon 1060 of the TOP2B protein (p.Glu1060Gly). This variant is not present in population databases (gnomAD no frequency). This variant has not been reported in the literature in individuals affected with TOP2B-related conditions. An algorithm developed to predict the effect of missense changes on protein structure and function (PolyPhen-2) suggests that this variant is likely to be disruptive. In summary, the available evidence is currently insufficient to determine the role of this variant in disease. Therefore, it has been classified as a Variant of Uncertain Significance.

NM_001330700.2(TOP2B):c.3194A>G (p.Glu1065Gly)

Gene: TOP2B (DNA topoisomerase II beta; minus strand). Cytogenetic location: 3p24.2.
Variant type: single nucleotide variant.
Coding change: c.3194A>G on transcript NM_001330700.2 (MANE Select); coding-DNA position 3194, A replaced by G.
Protein change: p.Glu1065Gly; replaces glutamic acid 1065 with glycine.
Molecular consequence: missense variant.
Genome position (GRCh38, 1-based): chr3:25,618,719, T>C on the plus strand (A>G on the coding strand, the complement: TOP2B is on the minus strand). VCF-style: chr3-25618719-T-C. GRCh37 (hg19) VCF-style: chr3-25660210-T-C.
Other names: c.3179A>G, p.Glu1060Gly (NM_001068.3); short protein forms E1060G, E1065G.
Identifiers: ClinVar variation 4719073 (VCV004719073.1).
Genomic context (GRCh38, chr3:25,618,719, plus strand): 5'-GTAATTTTCCCTTGTATCTTCTCTAAAATGAAACGGGCTTGATTGTTAAGCTTTGTAGAT[T>C]CTGCTCCCAACATTCCCACAAGCCACTCCTTACGTAAACCGTAATAACTTAATCGTAAAT-3'
Protein context (NP_001317629.1, residues 1055-1075): KEWLVGMLGA[Glu1065Gly]STKLNNQARF